The following continues an entry in ClinVar:

NM_002473.6(MYH9):c.3493C>T (p.Arg1165Cys)

Gene: MYH9. ClinVar aggregate classification (germline): Pathogenic. Pathogenic (17).

Submissions 9 to 22 of 22:

Victorian Clinical Genetics Services, Murdoch Childrens Research Institute
Classification: Pathogenic for Macrothrombocytopenia and granulocyte inclusions with or without nephritis or sensorineural hearing loss. Last evaluated: 2022-09-02. Review status: criteria provided, single submitter. Criteria: ACMG Guidelines, 2015. Collection method: clinical testing. Allele origin: germline. Inheritance: Autosomal dominant inheritance. Affected: yes.
Comment: Based on the classification scheme VCGS_Germline_v1.3.4, this variant is classified as Pathogenic. Following criteria are met: 0103 - Dominant negative and loss of function are likely mechanisms of disease in this gene and are associated with autosomal dominant deafness 17 (MIM#603622) and macrothrombocytopaenia and granulocyte inclusions with or without nephritis or sensorineural hearing loss (MIM#155100) (PMID: 32545517; GeneReviews). (I) 0107 - This gene is associated with autosomal dominant disease. (I) 0115 - Variants in this gene are known to have variable expressivity. Expressivity varies for onset and severity of sensorineural deafness, glomerular nephropathy, presenile cataract, and alterations of liver enzymes (GeneReviews). (I) 0200 - Variant is predicted to result in a missense amino acid change from arginine to cysteine. (I) 0251 - This variant is heterozygous. (I) 0301 - Variant is absent from gnomAD (both v2 and v3). (SP) 0501 - Missense variant consistently predicted to be damaging by multiple in silico tools and highly conserved with a major amino acid change. (SP) 0600 - Variant is located in the annotated myosin tail 1 coiled coil region (DECIPHER). (I) 0801 - This variant has strong previous evidence of pathogenicity in unrelated individuals. This variant has been classified as pathogenic by multiple clinical diagnostic laboratories and has been reported in multiple individuals or families with inherited bleeding disorders (ClinVar, PMIDs: 32100410, 24186861). Additionally, this variant has been reported in one Japanese family with a family history of thrombocytopaenia whereby sensorineural hearing loss, cataract and nephritis were also observed in some affected relatives (PMID: 26056797). It should also be noted that p.Arg1165 is one of six residues where ~70% of affected individuals have pathogenic variants (GeneReviews). (SP) 1208 - Inheritance information for this variant is not currently available in this individual. (I) Legend: (SP) - Supporting pathogenic, (I) - Information, (SB) - Supporting benign

3billion
Classification: Pathogenic for Macrothrombocytopenia and granulocyte inclusions with or without nephritis or sensorineural hearing loss. Last evaluated: 2022-09-01. Review status: criteria provided, single submitter. Criteria: ACMG Guidelines, 2015. Collection method: clinical testing. Allele origin: germline. Affected: yes. Observed: 1 heterozygote.
Comment: The variant is not observed in the gnomAD v2.1.1 dataset. Missense changes are a common disease-causing mechanism. In silico tool predictions suggest damaging effect of the variant on gene or gene product (REVEL: 0.92; 3Cnet: 0.51). Same nucleotide change resulting in same amino acid change has been previously reported as pathogenic/likely pathogenic with strong evidence (ClinVar ID: VCV000014074). The variant has been observed in multiple (>3) similarly affected unrelated individuals (PMID: 24186861). A different missense change at the same codon (p.Arg1165Leu) has been reported to be associated with MYH9-related disorder (ClinVar ID: VCV000038965/ PMID: 11776386). Therefore, this variant is classified as Pathogenic according to the recommendation of ACMG/AMP guideline.

Johns Hopkins Genomics, Johns Hopkins University
Classification: Pathogenic for Macrothrombocytopenia and granulocyte inclusions with or without nephritis or sensorineural hearing loss. Last evaluated: 2021-03-04. Review status: criteria provided, single submitter. Criteria: ACMG Guidelines, 2015. Collection method: clinical testing. Allele origin: germline.

Genetics and Molecular Pathology, SA Pathology
Classification: Pathogenic for Autosomal dominant nonsyndromic hearing loss 17. Last evaluated: 2020-09-29. Review status: criteria provided, single submitter. Criteria: ACMG Guidelines, 2015. Collection method: clinical testing. Allele origin: germline. Inheritance: Autosomal dominant inheritance. Affected: yes.

CeGaT Center for Human Genetics Tuebingen
Classification: Pathogenic. Last evaluated: 2020-02-01. Review status: criteria provided, single submitter. Criteria: CeGaT Center For Human Genetics Tuebingen Variant Classification Criteria Version 2. Collection method: clinical testing. Allele origin: germline. Affected: yes. Observed: 2 variant alleles.

Genetic Services Laboratory, University of Chicago
Classification: Pathogenic. Last evaluated: 2019-12-13. Review status: criteria provided, single submitter. Criteria: ACMG Guidelines, 2015. Collection method: clinical testing. Allele origin: germline. Affected: yes.
Comment: DNA sequence analysis of the MYH9 gene demonstrated a sequence change, c.3493C>T, in exon 27 that results in an amino acid change, p.Arg1165Cys. This sequence change has not been described in population databases (gnomAD, ExAC). The p.Arg1165Cys change has been identified in several families with thrombocytopenia with or without granulocyte inclusions, nephritis, or sensorineural hearing loss (PMID: 26056797, 16098078, 10973259, 11776386, 10973259, 11776386). The p.Arg1165Cys change affects a moderately conserved amino acid residue located in a domain of the MYH9 protein that is known to be functional. The p.Arg1165Cys substitution appears to be deleterious using several in-silico pathogenicity prediction tools (SIFT, PolyPhen2, Align GVGD, REVEL). Additionally, functional studies demonstrate that this sequence change impacts protein structure, leading to reduced function (PMID: 15339844).

Revvity Omics, Revvity
Classification: Pathogenic. Last evaluated: 2019-03-14. Review status: criteria provided, single submitter. Criteria: ACMG Guidelines, 2015. Collection method: clinical testing. Allele origin: germline.

NIHR Bioresource Rare Diseases, University of Cambridge
Classification: Pathogenic for MYH9-related disorder. Last evaluated: 2018-12-12. Review status: criteria provided, single submitter. Criteria: ACMG Guidelines, 2015. Collection method: research. Allele origin: unknown. Inheritance: Autosomal dominant inheritance. Affected: yes. Observed: 6 heterozygotes.
Comment: PS4, PM2, PP1_strong, PP4, PP3

ISTH-SSC Genomics in Thrombosis and Hemostasis, KU Leuven, Center for Molecular and Vascular Biology
Classification: Pathogenic for Macrothrombocytopenia and granulocyte inclusions with or without nephritis or sensorineural hearing loss. Review status: criteria provided, single submitter. Criteria: ACMG Guidelines, 2015. Collection method: clinical testing. Allele origin: germline. Affected: yes. Observed: 3 heterozygotes. Clinical features observed: Macrothrombocytopenia.
Comment: Submitted to GoldVariant by Jose María Bastida and José Rivera; Grupo Español de Alteraciones Plaquetarias Congénitas (GEAPC)

PreventionGenetics, part of Exact Sciences
Classification: Pathogenic for MYH9-related condition. Last evaluated: 2023-12-12. Review status: no assertion criteria provided. Collection method: clinical testing. Allele origin: germline. Not counted in ClinVar's aggregate classification.
Comment: The MYH9 c.3493C>T variant is predicted to result in the amino acid substitution p.Arg1165Cys. This variant has been reported to be causative for MYH9-related disorders in several patients (Seri et al. 2000. PubMed ID: 10973259; Seri et al. 2003. PubMed ID: 12792306; Dong et al. 2005. PubMed ID: 16098078; Pecci et al. 2008. PubMed ID: 18059020) and is consistent with a clinical diagnosis of a MYH9-related disorder. This variant has not been reported in a large population database, indicating this variant is rare. This variant is interpreted as pathogenic.

Birmingham Platelet Group; University of Birmingham
Classification: Pathogenic for Thrombocytopenia; Abnormal bleeding. Last evaluated: 2020-05-01. Review status: no assertion criteria provided. Collection method: research. Allele origin: germline. Affected: yes. Not counted in ClinVar's aggregate classification.

OMIM
Classification: Pathogenic for MACROTHROMBOCYTOPENIA AND GRANULOCYTE INCLUSIONS. Last evaluated: 2000-09-01. Review status: no assertion criteria provided. Collection method: literature only. Allele origin: germline. Not counted in ClinVar's aggregate classification.

GeneReviews
No classification provided. Condition: Macrothrombocytopenia and granulocyte inclusions with or without nephritis or sensorineural hearing loss. Review status: no classification provided. Collection method: literature only. Allele origin: germline. Not counted in ClinVar's aggregate classification.
Comment: Associated with high risk for hearing loss and low risk for nephropathy and cataract

Genomics England Pilot Project, Genomics England
Classification: Pathogenic for Autosomal dominant nonsyndromic hearing loss 17. Review status: no assertion criteria provided. Criteria: ACGS Guidelines, 2016. Collection method: clinical testing. Allele origin: germline. Affected: yes. Not counted in ClinVar's aggregate classification.

Literature cited by the submitters: PubMed 10973259 (cited by 4 submitters); PubMed 17655694 (cited by 3 submitters); PubMed 26056797 (cited by 5 submitters); PubMed 15339844 (cited by 3 submitters); PubMed 16162639 (cited by Labcorp Genetics (formerly Invitae), Labcorp and Mayo Clinic Laboratories, Mayo Clinic); PubMed 30916803 (cited by Labcorp Genetics (formerly Invitae), Labcorp and Mayo Clinic Laboratories, Mayo Clinic); PubMed 15020273 (cited by Ambry Genetics); PubMed 20174760 (cited by Ambry Genetics); PubMed 22627578 (cited by Ambry Genetics and Johns Hopkins Genomics, Johns Hopkins University); PubMed 32100410 (cited by Ambry Genetics and Victorian Clinical Genetics Services, Murdoch Childrens Research Institute); PubMed 33217855 (cited by Ambry Genetics); PubMed 33718801 (cited by Ambry Genetics); PubMed 34237177 (cited by Ambry Genetics); PubMed 34310475 (cited by Ambry Genetics and Mayo Clinic Laboratories, Mayo Clinic); PubMed 34573976 (cited by Ambry Genetics); PubMed 38650331 (cited by Ambry Genetics and Mayo Clinic Laboratories, Mayo Clinic); PubMed 20301740 (cited by Mayo Clinic Laboratories, Mayo Clinic); PubMed 24186861 (cited by 3 submitters); PubMed 38314191 (cited by Mayo Clinic Laboratories, Mayo Clinic); PubMed 18059020 (cited by Women's Health and Genetics/Laboratory Corporation of America, LabCorp and Johns Hopkins Genomics, Johns Hopkins University); PubMed 32545517 (cited by Victorian Clinical Genetics Services, Murdoch Childrens Research Institute); PubMed 11776386 (cited by 3billion and ISTH-SSC Genomics in Thrombosis and Hemostasis, KU Leuven, Center for Molecular and Vascular Biology); PubMed 12533692 (cited by Johns Hopkins Genomics, Johns Hopkins University); PubMed 16098078 (cited by Johns Hopkins Genomics, Johns Hopkins University); PubMed 21542825 (cited by Johns Hopkins Genomics, Johns Hopkins University); NCBI Bookshelf NBK2689 (cited by GeneReviews).